The following is an entry in ClinVar:

ClinVar aggregate classification (germline): Uncertain significance (1 of 4 stars; one submission).

Conditions:
Short-rib thoracic dysplasia 6 with or without polydactyly (SRTD6). Also called: SHORT-RIB THORACIC DYSPLASIA 6 WITH POLYDACTYLY; SHORT-RIB THORACIC DYSPLASIA 6 WITHOUT POLYDACTYLY; Majewski Syndrome; SHORT RIB-POLYDACTYLY SYNDROME, TYPE IIA; POLYDACTYLY WITH NEONATAL CHONDRODYSTROPHY, TYPE II. Identifiers: MedGen C0024507, MONDO:0009894, OMIM 263520.

Allele frequency attached by ClinVar (database versions not stated): gnomAD exomes below 0.00001; ExAC 0.00001.
gnomAD v4.1: 1 of 1,607,902 alleles (0.000062%); highest among the groups gnomAD compares: Non-Finnish European, 0.000085%; no homozygotes.

Submission:

Labcorp Genetics (formerly Invitae), Labcorp
Classification: Uncertain significance for Short-rib thoracic dysplasia 6 with or without polydactyly. Last evaluated: 2023-03-13. Review status: criteria provided, single submitter. Criteria: Invitae Variant Classification Sherloc (09022015). Collection method: clinical testing. Allele origin: germline.
Comment: In summary, the available evidence is currently insufficient to determine the role of this variant in disease. Therefore, it has been classified as a Variant of Uncertain Significance. Advanced modeling of protein sequence and biophysical properties (such as structural, functional, and spatial information, amino acid conservation, physicochemical variation, residue mobility, and thermodynamic stability) has been performed at Invitae for this missense variant, however the output from this modeling did not meet the statistical confidence thresholds required to predict the impact of this variant on NEK1 protein function. This variant has not been reported in the literature in individuals affected with NEK1-related conditions. The frequency data for this variant in the population databases is considered unreliable, as metrics indicate poor data quality at this position in the gnomAD database. This sequence change replaces proline, which is neutral and non-polar, with leucine, which is neutral and non-polar, at codon 769 of the NEK1 protein (p.Pro769Leu).

NM_001199397.3(NEK1):c.2390C>T (p.Pro797Leu)

Gene: NEK1 (NIMA related kinase 1; minus strand). Cytogenetic location: 4q33.
Variant type: single nucleotide variant.
Coding change: c.2390C>T on transcript NM_001199397.3 (MANE Select); coding-DNA position 2390, C replaced by T.
Protein change: p.Pro797Leu; replaces proline 797 with leucine.
Molecular consequence: missense variant. On other transcripts: non-coding transcript variant (1).
Genome position (GRCh38, 1-based): chr4:169,477,168, G>A on the plus strand (C>T on the coding strand, the complement: NEK1 is on the minus strand). VCF-style: chr4-169477168-G-A. GRCh37 (hg19) VCF-style: chr4-170398319-G-A.
Other names: c.2258C>T, p.Pro753Leu (NM_001199398.3); c.2099C>T, p.Pro700Leu (NM_001199399.3); c.2174C>T, p.Pro725Leu (NM_001199400.3); c.2390C>T, p.Pro797Leu (NM_001374418.1); c.2306C>T, p.Pro769Leu (NM_001374419.1, NM_012224.4); c.2255C>T, p.Pro752Leu (NM_001374420.1); c.2084C>T, p.Pro695Leu (NM_001374421.1); short protein forms P695L, P725L, P797L, P700L, P752L, P753L, P769L.
Identifiers: ClinVar variation 2840838 (VCV002840838.3), dbSNP rs750048254, ClinGen allele CA3137429.